The following is an entry in ClinVar:

ClinVar aggregate classification (germline): Uncertain significance (1 of 4 stars; one submission).

Conditions:
Familial melanoma. Also called: Hereditary melanoma; Hereditary cutaneous melanoma. Identifiers: Orphanet 618, MedGen C1512419, MONDO:0018961.

gnomAD v4.1: 1 of 1,614,090 alleles (0.000062%); highest among the groups gnomAD compares: Non-Finnish European, 0.000085%; no homozygotes.

Submission:

Labcorp Genetics (formerly Invitae), Labcorp
Classification: Uncertain significance for Familial melanoma. Last evaluated: 2024-12-29. Review status: criteria provided, single submitter. Criteria: Invitae Variant Classification Sherloc (09022015). Collection method: clinical testing. Allele origin: germline.
Comment: This sequence change creates a premature translational stop signal (p.Arg82*) in the CDK4 gene. It is expected to result in an absent or disrupted protein product. However, the current clinical and genetic evidence is not sufficient to establish whether loss-of-function variants in CDK4 cause disease. This variant is present in population databases (no rsID available, gnomAD 0.0009%). This variant has not been reported in the literature in individuals affected with CDK4-related conditions. In summary, the available evidence is currently insufficient to determine the role of this variant in disease. Therefore, it has been classified as a Variant of Uncertain Significance.

NM_000075.4(CDK4):c.244C>T (p.Arg82Ter)

Gene: CDK4 (cyclin dependent kinase 4; minus strand). Cytogenetic location: 12q14.1.
Variant type: single nucleotide variant.
Coding change: c.244C>T on transcript NM_000075.4 (MANE Select); coding-DNA position 244, C replaced by T.
Protein change: p.Arg82Ter; replaces arginine 82 with a stop codon.
Molecular consequence: nonsense.
Genome position (GRCh38, 1-based): chr12:57,751,317, G>A on the plus strand (C>T on the coding strand, the complement: CDK4 is on the minus strand). VCF-style: chr12-57751317-G-A. GRCh37 (hg19) VCF-style: chr12-58145100-G-A.
Other names: short protein forms R82*.
Identifiers: ClinVar variation 3728207 (VCV003728207.2).
Genomic context (GRCh38, chr12:57,751,317, plus strand): 5'-TCCTTAGGTCCTGGTCTACATGCTCAAACACCAGGGTTACCTTGATCTCCCGGTCAGTTC[G>A]GGATGTGGCACAGACGTCCATCAGCCTGACCAGAGTAAATGCTCACTTTTCAATCCCCTT-3'